The following is an entry in ClinVar:

NM_001048174.2(MUTYH):c.157G>A (p.Val53Ile)

Gene: MUTYH (mutY DNA glycosylase; minus strand). Cytogenetic location: 1p34.1.
Variant type: single nucleotide variant.
Coding change: c.157G>A on transcript NM_001048174.2 (MANE Select); coding-DNA position 157, G replaced by A.
Protein change: p.Val53Ile; replaces valine 53 with isoleucine.
Molecular consequence: missense variant. On other transcripts: 5 prime UTR variant (1), non-coding transcript variant (5), intron variant (5).
Genome position (GRCh38, 1-based): chr1:45,333,520, C>T on the plus strand (G>A on the coding strand, the complement: MUTYH is on the minus strand). VCF-style: chr1-45333520-C-T. GRCh37 (hg19) VCF-style: chr1-45799192-C-T.
Other names: c.157G>A, p.Val53Ile (NM_001048171.2, NM_001048173.2, NM_001293195.2 and 6 more transcripts); c.160G>A, p.Val54Ile (NM_001048172.2, NM_001407071.1, NM_001407078.1 and 2 more transcripts); c.241G>A, p.Val81Ile (NM_001128425.2); c.202G>A, p.Val68Ile (NM_001293190.2); c.190G>A, p.Val64Ile (NM_001293191.2, NM_001407077.1); c.-115G>A (NM_001350650.2); c.232G>A, p.Val78Ile (NM_001407069.1, NM_012222.3); c.199G>A, p.Val67Ile (NM_001407073.1, NM_001407083.1, NM_001407085.1); and 4 more; short protein forms V53I, V54I, V25I, V60I, V78I, V67I, V81I, V64I.
Identifiers: ClinVar variation 4113540 (VCV004113540.1).

ClinVar aggregate classification (germline): Uncertain significance (1 of 4 stars; one submission).

Conditions:
Hereditary cancer-predisposing syndrome. Also called: Hereditary neoplastic syndrome; Neoplastic Syndromes, Hereditary; Tumor predisposition; Hereditary Cancer Syndrome. Identifiers: Orphanet 140162, MedGen C0027672, MeSH D009386, MONDO:0015356.

Submission:

Ambry Genetics
Classification: Uncertain significance for Hereditary cancer-predisposing syndrome. Last evaluated: 2025-08-27. Review status: criteria provided, single submitter. Criteria: Ambry Variant Classification Scheme 2023. Collection method: clinical testing. Allele origin: germline.
Comment: The p.V81I variant (also known as c.241G>A), located in coding exon 3 of the MUTYH gene, results from a G to A substitution at nucleotide position 241. The valine at codon 81 is replaced by isoleucine, an amino acid with highly similar properties. This amino acid position is conserved. In addition, this alteration is predicted to be tolerated by in silico analysis. Based on the available evidence, the clinical significance of this variant remains unclear.